The following is an entry in ClinVar:

ClinVar aggregate classification (germline): Uncertain significance (1 of 4 stars; one submission).

Conditions:
Alpha thalassemia-X-linked intellectual disability syndrome (ATRX). Also called: ALPHA-THALASSEMIA/MENTAL RETARDATION SYNDROME, X-LINKED; ATR, NONDELETION TYPE; ATR-X syndrome; Alpha thalassemia mental retardation syndrome, nondeletion type, X-linked; XLMR hypotonic face syndrome; X-linked alpha-thalassemia-mental retardation syndrome. Identifiers: Orphanet 847, MedGen C1845055, MONDO:0010519, OMIM 301040.

Allele frequency attached by ClinVar (database versions not stated): gnomAD exomes below 0.00001.
gnomAD v4.1: 4 of 1,210,481 alleles (0.00033%); highest among the groups gnomAD compares: Middle Eastern, 0.046%; no homozygotes.

Submission:

Labcorp Genetics (formerly Invitae), Labcorp
Classification: Uncertain significance for Alpha thalassemia-X-linked intellectual disability syndrome. Last evaluated: 2022-01-26. Review status: criteria provided, single submitter. Criteria: Invitae Variant Classification Sherloc (09022015). Collection method: clinical testing. Allele origin: germline.
Comment: This sequence change replaces methionine, which is neutral and non-polar, with isoleucine, which is neutral and non-polar, at codon 734 of the ATRX protein (p.Met734Ile). This variant is not present in population databases (gnomAD no frequency). This variant has not been reported in the literature in individuals affected with ATRX-related conditions. Advanced modeling of protein sequence and biophysical properties (such as structural, functional, and spatial information, amino acid conservation, physicochemical variation, residue mobility, and thermodynamic stability) performed at Invitae indicates that this missense variant is not expected to disrupt ATRX protein function. In summary, the available evidence is currently insufficient to determine the role of this variant in disease. Therefore, it has been classified as a Variant of Uncertain Significance.

NM_000489.6(ATRX):c.2202G>T (p.Met734Ile)

Gene: ATRX (ATRX chromatin remodeler; minus strand). Cytogenetic location: Xq21.1.
Variant type: single nucleotide variant.
Coding change: c.2202G>T on transcript NM_000489.6 (MANE Select); coding-DNA position 2202, G replaced by T.
Protein change: p.Met734Ile; replaces methionine 734 with isoleucine.
Molecular consequence: missense variant.
Genome position (GRCh38, 1-based): chrX:77,683,054, C>A on the plus strand (G>T on the coding strand, the complement: ATRX is on the minus strand). VCF-style: chrX-77683054-C-A. GRCh37 (hg19) VCF-style: chrX-76938546-C-A.
Other names: c.2088G>T, p.Met696Ile (NM_138270.5); short protein forms M734I, M696I.
Identifiers: ClinVar variation 2042738 (VCV002042738.1), dbSNP rs2519953002, ClinGen allele CA413712958.